The following is an entry in ClinVar:

NM_000492.4(CFTR):c.948T>G (p.Phe316Leu)

Gene: CFTR (CF transmembrane conductance regulator; plus strand). Cytogenetic location: 7q31.2.
Variant type: single nucleotide variant.
Coding change: c.948T>G on transcript NM_000492.4 (MANE Select); coding-DNA position 948, T replaced by G.
Protein change: p.Phe316Leu; replaces phenylalanine 316 with leucine.
Molecular consequence: missense variant.
Genome position (GRCh38, 1-based): chr7:117,540,178, T>G. VCF-style: chr7-117540178-T-G. GRCh37 (hg19) VCF-style: chr7-117180232-T-G.
Other names: short protein forms F316L.
Identifiers: ClinVar variation 281724 (VCV000281724.31), dbSNP rs78742051, ClinGen allele CA10603955.
Genomic context (GRCh38, chr7:117,540,178, plus strand): 5'-TCGGAAGGCAGCCTATGTGAGATACTTCAATAGCTCAGCCTTCTTCTTCTCAGGGTTCTT[T>G]GTGGTGTTTTTATCTGTGCTTCCCTATGCACTAATCAAAGGAATCATCCTCCGGAAAATA-3'
Protein context (NP_000483.3, residues 306-326): NSSAFFFSGF[Phe316Leu]VVFLSVLPYA

ClinVar aggregate classification (germline): Uncertain significance. Review status: criteria provided, multiple submitters, no conflicts (2 of 4 stars). 10 submissions from 10 submitters: Uncertain significance (9). 1 of the submissions does not count toward it. Last evaluated 2026-04-15.

Conditions:
CFTR-related disorder (CFTR-RD). Also called: CFTR-related condition; CFTR-related disorders. Identifiers: MedGen C5924204, MONDO:7770004.
Cystic fibrosis (CF). Also called: MUCOVISCIDOSIS. Identifiers: Orphanet 586, MedGen C0010674, MONDO:0009061, OMIM 219700. Disease mechanism: loss of function.

Allele frequency attached by ClinVar (database versions not stated): gnomAD exomes 0.00004 and 0.00006; TOPMed 0.00006; gnomAD 0.00007; ESP Exome Variant Server 0.00008.
gnomAD v4.1: 96 of 1,613,986 alleles (0.0059%); highest among the groups gnomAD compares: Non-Finnish European, 0.0078%; no homozygotes.

Submissions (10):

PreventionGenetics, part of Exact Sciences
Classification: Uncertain significance for CFTR-related condition. Last evaluated: 2026-04-15. Review status: criteria provided, single submitter. Criteria: ACMG Guidelines, 2015. Collection method: clinical testing. Allele origin: germline.
Comment: The CFTR c.948T>G variant is predicted to result in the amino acid substitution p.Phe316Leu. This variant has been reported in combination with a pathogenic CFTR variant in an individual with cystic fibrosis (CF, de Silva Martins et al. 2025. PubMed ID: 40553696), in combination with another CFTR variant in an individual with azoospermia or severe oligospermia (Sheet 1, Oud et al. 2017. PubMed ID: 28801929), in the heterozygous state in an individual with pancreatitis (Keiles and Kammesheidt. 2006. PubMed ID: 17003641), in the heterozygous state in an individual with chronic bronchitis (Supplementary Table 8, Saferali et al. 2022. PubMed ID: 34996830), and in the compound heterozygous state with another CFTR variant in an individual with hyperactivity and no signs of CF (Li et al. 2025. PubMed ID: 40258939). An in vivo experimental study using zebrafish suggests this variant is linked to hyperactive behavior (Li Q. et al. 2025. PubMed ID: 40258939). This variant is reported in 0.0085% of alleles in individuals of European (non-Finnish) descent in gnomAD and is classified as uncertain in ClinVar (Variant ID: 281724). At this time, the clinical significance of this variant is uncertain due to the absence of conclusive functional and genetic evidence.

Labcorp Genetics (formerly Invitae), Labcorp
Classification: Uncertain significance for Cystic fibrosis. Last evaluated: 2025-09-14. Review status: criteria provided, single submitter. Criteria: Invitae Variant Classification Sherloc (09022015). Collection method: clinical testing. Allele origin: germline.
Comment: This sequence change replaces phenylalanine, which is neutral and non-polar, with leucine, which is neutral and non-polar, at codon 316 of the CFTR protein (p.Phe316Leu). This variant is present in population databases (rs78742051, gnomAD 0.007%). This missense change has been observed in individual(s) with pancreatitis (PMID: 17003641). ClinVar contains an entry for this variant (Variation ID: 281724). Invitae Evidence Modeling of protein sequence and biophysical properties (such as structural, functional, and spatial information, amino acid conservation, physicochemical variation, residue mobility, and thermodynamic stability) indicates that this missense variant is not expected to disrupt CFTR protein function with a negative predictive value of 80%. In summary, the available evidence is currently insufficient to determine the role of this variant in disease. Therefore, it has been classified as a Variant of Uncertain Significance.

Quest Diagnostics Nichols Institute San Juan Capistrano
Classification: Uncertain significance. Last evaluated: 2025-01-27. Review status: criteria provided, single submitter. Criteria: Quest Diagnostics criteria. Collection method: clinical testing. Allele origin: unknown.
Comment: The CFTR c.948T>G (p.Phe316Leu) variant has been reported in the published literature in individuals with pancreatitis (PMID: 17003641 (2006)), chronic bronchitis (PMID: 34996830 (2022)), and infertility (PMID: 28801929 (2017)). The frequency of this variant in the general population (Genome Aggregation Database) is uninformative in the assessment of its pathogenicity. Analysis of this variant using bioinformatics tools for the prediction of the effect of amino acid changes on protein structure and function yielded conflicting predictions that this variant is deleterious or benign. Based on the available information, we are unable to determine the clinical significance of this variant.

ARUP Laboratories, Molecular Genetics and Genomics, ARUP Laboratories
Classification: Uncertain significance. Last evaluated: 2024-10-29. Review status: criteria provided, single submitter. Criteria: ARUP Molecular Germline Variant Investigation Process 2024. Collection method: clinical testing. Allele origin: germline.
Comment: The CFTR c.948T>G; p.Phe316Leu variant (rs78742051, ClinVar variation ID: 281724) is reported in the literature in an individual with pancreatitis, but no additional variants were identified (Keiles 2006) and in an individual with congenital bilateral absence of vas deferens (CBAVD) (Smits 2019). This variant is found in the general population with an overall allele frequency of 0.004% (11/282686 alleles) in the Genome Aggregation Database (v2.1.1). Computational analyses are uncertain whether this variant is neutral or deleterious (REVEL: 0.435). Due to limited information, the clinical significance of this variant is uncertain at this time. References: Keiles S et al. Identification of CFTR, PRSS1, and SPINK1 mutations in 381 patients with pancreatitis. Pancreas. 2006 Oct;33(3):221-7. PMID: 17003641. Smits RM et al. Improved detection of CFTR variants by targeted next-generation sequencing in male infertility: a case series. Reprod Biomed Online. 2019 Dec;39(6):963-968. PMID: 31672438.

Ambry Genetics
Classification: Uncertain significance for Cystic fibrosis. Last evaluated: 2024-09-04. Review status: criteria provided, single submitter. Criteria: Ambry Variant Classification Scheme 2023. Collection method: clinical testing. Allele origin: germline.
Comment: The p.F316L variant (also known as c.948T>G), located in coding exon 8 of the CFTR gene, results from a T to G substitution at nucleotide position 948. The phenylalanine at codon 316 is replaced by leucine, an amino acid with highly similar properties. This alteration has been identified in a proband with pancreatitis (Keiles S et al. Pancreas 2006 Oct;33(3):221-7). This amino acid position is well conserved in available vertebrate species; however, leucine is the reference amino acid in other vertebrate species. In addition, the in silico prediction for this alteration is inconclusive. Based on the available evidence, the clinical significance of this variant remains unclear.

Women's Health and Genetics/Laboratory Corporation of America, LabCorp
Classification: Uncertain significance. Last evaluated: 2023-06-30. Review status: criteria provided, single submitter. Criteria: LabCorp Variant Classification Summary - May 2015. Collection method: clinical testing. Allele origin: germline.
Comment: Variant summary: CFTR c.948T>G (p.Phe316Leu) results in a non-conservative amino acid change located in the first transmembrane domain (IPR011527) of the encoded protein sequence. Three of five in-silico tools predict a benign effect of the variant on protein function. The variant allele was found at a frequency of 4e-05 in 251284 control chromosomes (gnomAD). This frequency is not higher than the estimated maximum expected for a pathogenic variant in CFTR causing Chronic Pancreatitis Risk (0.0063), allowing no conclusion about variant significance. These data do not allow any conclusion about variant significance. To our knowledge, no experimental evidence demonstrating an impact on protein function has been reported. The following publications have been ascertained in the context of this evaluation (PMID: 17003641, 15371908, 25735457, 34996830, 28801929, 31672438). Seven submitters have cited clinical-significance assessments for this variant to ClinVar after 2014. All submitters classified the variant as uncertain significance. Based on the evidence outlined above, the variant was classified as uncertain significance.

Genome-Nilou Lab
Classification: Uncertain significance for Cystic fibrosis. Last evaluated: 2021-09-05. Review status: criteria provided, single submitter. Criteria: ACMG Guidelines, 2015. Collection method: clinical testing. Allele origin: germline. Affected: no.

Mayo Clinic Laboratories, Mayo Clinic
Classification: Uncertain significance. Last evaluated: 2021-03-17. Review status: criteria provided, single submitter. Criteria: ACMG Guidelines, 2015. Collection method: clinical testing. Allele origin: germline. Observed: 1 variant allele.

Eurofins Ntd Llc (ga)
Classification: Uncertain significance. Last evaluated: 2017-11-09. Review status: criteria provided, single submitter. Criteria: EGL Classification Definitions 2015. Collection method: clinical testing. Allele origin: germline. Observed: 2 variant alleles, 2 heterozygotes.

Natera, Inc.
Classification: Uncertain significance for CFTR-related disorders. Last evaluated: 2018-09-03. Review status: no assertion criteria provided. Collection method: clinical testing. Allele origin: germline. Not counted in ClinVar's aggregate classification.

Literature cited by the submitters: PubMed 17003641 (cited by 3 submitters); PubMed 34996830 (cited by Quest Diagnostics Nichols Institute San Juan Capistrano and Women's Health and Genetics/Laboratory Corporation of America, LabCorp); PubMed 28801929 (cited by Quest Diagnostics Nichols Institute San Juan Capistrano and Women's Health and Genetics/Laboratory Corporation of America, LabCorp); PubMed 25735457 (cited by Women's Health and Genetics/Laboratory Corporation of America, LabCorp); PubMed 15371908 (cited by Women's Health and Genetics/Laboratory Corporation of America, LabCorp); PubMed 31672438 (cited by Women's Health and Genetics/Laboratory Corporation of America, LabCorp).